The following is an entry in ClinVar:

ClinVar aggregate classification (germline): Conflicting classifications of pathogenicity. Review status: criteria provided, conflicting classifications (1 of 4 stars). 6 submissions from 6 submitters: Uncertain significance (5); Benign (1). Last evaluated 2026-04-14.

Conditions:
KIF1A-related disorder. Also called: KIF1A-related disorders; KIF1A-related condition.
Inborn genetic diseases. Identifiers: MedGen C0950123, MeSH D030342.
Intellectual disability, autosomal dominant 9 (NESCAVS). Also called: NESCAV SYNDROME; KIF1A-Related Neurodevelopmental Disorder. Identifiers: Orphanet 662367, MedGen C5393830, MONDO:0013656, OMIM 614255.
Neuropathy, hereditary sensory, type 2C. Also called: KIF1A-Related HSAN2 (HSAN2C); Hereditary sensory and autonomic neuropathy type IIC. Identifiers: Orphanet 970, MedGen C3280168, MONDO:0013634, OMIM 614213.
Hereditary spastic paraplegia 30. Identifiers: Orphanet 101010, MedGen C5235139, MONDO:0012476.

Allele frequency attached by ClinVar (database versions not stated): TOPMed 0.00009; gnomAD 0.00004.
gnomAD v4.1: 58 of 1,613,396 alleles (0.0036%); highest among the groups gnomAD compares: Admixed American, 0.022%; no homozygotes.

Submissions (6):

PreventionGenetics, part of Exact Sciences
Classification: Uncertain significance for KIF1A-related condition. Last evaluated: 2026-04-14. Review status: criteria provided, single submitter. Criteria: ACMG Guidelines, 2015. Collection method: clinical testing. Allele origin: germline.
Comment: The KIF1A c.850G>A variant is predicted to result in the amino acid substitution p.Ala284Thr. To our knowledge, this variant has not been reported in the literature. This variant is reported in 0.029% of alleles in individuals of Latino descent in gnomAD. At this time, the clinical significance of this variant is uncertain due to the absence of conclusive functional and genetic evidence.

Labcorp Genetics (formerly Invitae), Labcorp
Classification: Benign for Hereditary spastic paraplegia 30; Neuropathy, hereditary sensory, type 2C; Intellectual disability, autosomal dominant 9. Last evaluated: 2025-09-08. Review status: criteria provided, single submitter. Criteria: Invitae Variant Classification Sherloc (09022015). Collection method: clinical testing. Allele origin: germline.

GeneDx
Classification: Uncertain significance. Last evaluated: 2025-05-04. Review status: criteria provided, single submitter. Criteria: GeneDx Variant Classification Process June 2021. Collection method: clinical testing. Allele origin: germline. Affected: yes.
Comment: In silico analysis supports that this missense variant has a deleterious effect on protein structure/function; Has not been previously published as pathogenic or benign to our knowledge; This variant is associated with the following publications: (PMID: 26125038, 21820098, 21376300)

Blueprint Genetics
Classification: Uncertain significance. Last evaluated: 2021-03-09. Review status: criteria provided, single submitter. Criteria: ACMG Guidelines, 2015. Collection method: clinical testing. Allele origin: germline.

Baylor Genetics
Classification: Uncertain significance for Intellectual disability, autosomal dominant 9. Last evaluated: 2019-04-05. Review status: criteria provided, single submitter. Criteria: ACMG Guidelines, 2015. Collection method: clinical testing. Allele origin: paternal. Affected: yes.
Comment: This variant was determined to be of uncertain significance according to ACMG Guidelines, 2015 [PMID:25741868].

Ambry Genetics
Classification: Uncertain significance for Inborn genetic diseases. Last evaluated: 2017-07-20. Review status: criteria provided, single submitter. Criteria: Ambry Variant Classification Scheme 2023. Collection method: clinical testing. Allele origin: germline.
Comment: The p.A284T variant (also known as c.850G>A), located in coding exon 8 of the KIF1A gene, results from a G to A substitution at nucleotide position 850. The alanine at codon 284 is replaced by threonine, an amino acid with similar properties. This amino acid position is highly conserved in available vertebrate species. In addition, this alteration is predicted to be deleterious by in silico analysis. Since supporting evidence is limited at this time, the clinical significance of this alteration remains unclear.

NM_001244008.2(KIF1A):c.850G>A (p.Ala284Thr)

Gene: KIF1A (kinesin family member 1A; minus strand). Cytogenetic location: 2q37.3.
Variant type: single nucleotide variant.
Coding change: c.850G>A on transcript NM_001244008.2 (MANE Select); coding-DNA position 850, G replaced by A.
Protein change: p.Ala284Thr; replaces alanine 284 with threonine.
Molecular consequence: missense variant.
Genome position (GRCh38, 1-based): chr2:240,783,058, C>T on the plus strand (G>A on the coding strand, the complement: KIF1A is on the minus strand). VCF-style: chr2-240783058-C-T. GRCh37 (hg19) VCF-style: chr2-241722475-C-T.
Other names: c.850G>A (NM_001244008.1); c.850G>A, p.Ala284Thr (NM_001320705.2, NM_001330289.2, NM_001330290.2 and 20 more transcripts); short protein forms A284T.
Identifiers: ClinVar variation 234325 (VCV000234325.21), dbSNP rs756136593, ClinGen allele CA2208637.
Genomic context (GRCh38, chr2:240,783,058, plus strand): 5'-AGACCCTCTGGGGTTCTGGCTATGGAAGCCGGGCCGGGCCACTCACCATTTCAGCCAGGG[C>T]GGAGATGACCTTGCCCAGGGTGGTCAGCGACTTGTTGATGTTGGCCCCCTCCTGCGGGCA-3'
Protein context (NP_001230937.1, residues 274-294): SLTTLGKVIS[Ala284Thr]LAEMDSGPNK